The following is an entry in ClinVar:

NM_006648.4(WNK2):c.3271C>A (p.Leu1091Met)

Gene: WNK2 (WNK lysine deficient protein kinase 2; plus strand). Cytogenetic location: 9q22.31.
Variant type: single nucleotide variant.
Coding change: c.3271C>A on transcript NM_006648.4 (MANE Select); coding-DNA position 3271, C replaced by A.
Protein change: p.Leu1091Met; replaces leucine 1091 with methionine.
Molecular consequence: missense variant.
Genome position (GRCh38, 1-based): chr9:93,262,018, C>A. VCF-style: chr9-93262018-C-A. GRCh37 (hg19) VCF-style: chr9-96024300-C-A.
Other names: c.3271C>A, p.Leu1091Met (NM_001282394.3); short protein forms L1091M.
Identifiers: ClinVar variation 3816920 (VCV003816920.1).

ClinVar aggregate classification (germline): Uncertain significance (1 of 4 stars; one submission).

gnomAD v4.1: 2 of 1,611,698 alleles (0.00012%); highest among the groups gnomAD compares: Non-Finnish European, 0.00017%; no homozygotes.

Submission:

Ambry Genetics
Classification: Uncertain significance. Last evaluated: 2025-01-25. Review status: criteria provided, single submitter. Criteria: Ambry Variant Classification Scheme 2023. Collection method: clinical testing. Allele origin: germline.
Comment: The p.L1091M variant (also known as c.3271C>A), located in coding exon 12 of the WNK2 gene, results from a C to A substitution at nucleotide position 3271. The leucine at codon 1091 is replaced by methionine, an amino acid with highly similar properties. This amino acid position is conserved. In addition, this alteration is predicted to be tolerated by in silico analysis. Based on the available evidence, the clinical significance of this variant remains unclear.